The following is an entry in ClinVar:

NM_001330691.3(CEP78):c.1633C>T (p.Gln545Ter)

Gene: CEP78 (centrosomal protein 78; plus strand). Cytogenetic location: 9q21.2.
Variant type: single nucleotide variant.
Coding change: c.1633C>T on transcript NM_001330691.3 (MANE Select); coding-DNA position 1633, C replaced by T.
Protein change: p.Gln545Ter; replaces glutamine 545 with a stop codon.
Molecular consequence: nonsense.
Genome position (GRCh38, 1-based): chr9:78,265,379, C>T. VCF-style: chr9-78265379-C-T. GRCh37 (hg19) VCF-style: chr9-80880295-C-T.
Other names: c.1636C>T, p.Gln546Ter (NM_001349839.2, NM_001349840.2, NM_032171.3 and 1 more transcripts); c.1633C>T, p.Gln545Ter (NM_001330693.3, NM_001330694.2, NM_001349838.2); short protein forms Q545*, Q546*.
Identifiers: ClinVar variation 4850233 (VCV004850233.1).

ClinVar aggregate classification (germline): Likely pathogenic (1 of 4 stars; one submission).

Conditions:
Cone-rod dystrophy and hearing loss 1 (CRDHL1). Identifiers: MedGen C5193018, MONDO:0020778, OMIM 617236.

Submission:

First Genomix Gene Laboratory, Genetic Diagnostics Department
Classification: Likely pathogenic for Cone-rod dystrophy and hearing loss 1. Last evaluated: 2025-08-26. Review status: criteria provided, single submitter. Criteria: ACMG Guidelines, 2015. Collection method: clinical testing. Allele origin: germline. Inheritance: Autosomal recessive inheritance. Affected: no. Observed: 1 variant allele.